The following is an entry in ClinVar:

NM_025114.4(CEP290):c.1709C>T (p.Ser570Leu)

Gene: CEP290 (centrosomal protein 290; minus strand). Cytogenetic location: 12q21.32.
Variant type: single nucleotide variant.
Coding change: c.1709C>T on transcript NM_025114.4 (MANE Select); coding-DNA position 1709, C replaced by T.
Protein change: p.Ser570Leu; replaces serine 570 with leucine.
Molecular consequence: missense variant.
Genome position (GRCh38, 1-based): chr12:88,118,485, G>A on the plus strand (C>T on the coding strand, the complement: CEP290 is on the minus strand). VCF-style: chr12-88118485-G-A. GRCh37 (hg19) VCF-style: chr12-88512262-G-A.
Other names: short protein forms S570L.
Identifiers: ClinVar variation 4999988 (VCV004999988.1).

ClinVar aggregate classification (germline): Uncertain significance (1 of 4 stars; one submission).

Conditions:
CEP290-related disorder. Also called: CEP290-related disorders; CEP290-related condition. Identifiers: MedGen CN239314.

Submission:

PreventionGenetics, part of Exact Sciences
Classification: Uncertain significance for CEP290-related condition. Last evaluated: 2025-04-16. Review status: criteria provided, single submitter. Criteria: ACMG Guidelines, 2015. Collection method: clinical testing. Allele origin: germline.
Comment: The CEP290 c.1709C>T variant is predicted to result in the amino acid substitution p.Ser570Leu. To our knowledge, this variant has not been reported in the literature or in a large population database (gnomAD), indicating this variant is rare. At this time, the clinical significance of this variant is uncertain due to the absence of conclusive functional and genetic evidence.